The following is an entry in ClinVar:

NM_002582.4(PARN):c.1385A>G (p.Tyr462Cys)

Gene: PARN (poly(A)-specific ribonuclease; minus strand). Cytogenetic location: 16p13.12.
Variant type: single nucleotide variant.
Coding change: c.1385A>G on transcript NM_002582.4 (MANE Select); coding-DNA position 1385, A replaced by G.
Protein change: p.Tyr462Cys; replaces tyrosine 462 with cysteine.
Molecular consequence: missense variant.
Genome position (GRCh38, 1-based): chr16:14,554,085, T>C on the plus strand (A>G on the coding strand, the complement: PARN is on the minus strand). VCF-style: chr16-14554085-T-C. GRCh37 (hg19) VCF-style: chr16-14647942-T-C.
Other names: c.1202A>G, p.Tyr401Cys (NM_001134477.3); c.1247A>G, p.Tyr416Cys (NM_001242992.2); short protein forms Y401C, Y416C, Y462C.
Identifiers: ClinVar variation 1172786 (VCV001172786.8), dbSNP rs1967500569, ClinGen allele CA394811734.

ClinVar aggregate classification (germline): Uncertain significance. Review status: criteria provided, multiple submitters, no conflicts (2 of 4 stars). 2 submissions from 2 submitters: Uncertain significance (2). Last evaluated 2023-06-22.

Conditions:
Pulmonary fibrosis and/or bone marrow failure, Telomere-related, 4. Also called: PULMONARY FIBROSIS AND/OR BONE MARROW FAILURE SYNDROME, TELOMERE-RELATED, 4. Identifiers: Orphanet 2032, MedGen C4225347, MONDO:0014612, OMIM 616371.
Dyskeratosis congenita, autosomal recessive 6 (DKCB6). Identifiers: MedGen C4225356, MONDO:0014600, OMIM 616353.

Allele frequency attached by ClinVar (database versions not stated): TOPMed below 0.00001.

Submissions (2):

Labcorp Genetics (formerly Invitae), Labcorp
Classification: Uncertain significance for Dyskeratosis congenita, autosomal recessive 6; Pulmonary fibrosis and/or bone marrow failure, Telomere-related, 4. Last evaluated: 2023-06-22. Review status: criteria provided, single submitter. Criteria: Invitae Variant Classification Sherloc (09022015). Collection method: clinical testing. Allele origin: germline.
Comment: This sequence change replaces tyrosine, which is neutral and polar, with cysteine, which is neutral and slightly polar, at codon 462 of the PARN protein (p.Tyr462Cys). This variant is not present in population databases (gnomAD no frequency). This missense change has been observed in individual(s) with interstitial pneumonitis (PMID: 34298581). ClinVar contains an entry for this variant (Variation ID: 1172786). Advanced modeling of protein sequence and biophysical properties (such as structural, functional, and spatial information, amino acid conservation, physicochemical variation, residue mobility, and thermodynamic stability) performed at Invitae indicates that this missense variant is not expected to disrupt PARN protein function. In summary, the available evidence is currently insufficient to determine the role of this variant in disease. Therefore, it has been classified as a Variant of Uncertain Significance.

The Laboratory of Genetics and Metabolism, Hunan Children’s Hospital
Classification: Uncertain significance for Pulmonary fibrosis and/or bone marrow failure, Telomere-related, 4. Last evaluated: 2021-03-06. Review status: criteria provided, single submitter. Criteria: ACMG Guidelines, 2015. Collection method: research. Allele origin: germline. Affected: yes. Observed: 1 variant allele.

Literature cited by the submitters: PubMed 34298581 (cited by Labcorp Genetics (formerly Invitae), Labcorp and The Laboratory of Genetics and Metabolism, Hunan Children’s Hospital).